The following is an entry in ClinVar:

NM_183050.4(BCKDHB):c.274+1G>T

Gene: BCKDHB (branched chain keto acid dehydrogenase E1 subunit beta; plus strand). Cytogenetic location: 6q14.1.
Variant type: single nucleotide variant.
Coding change: c.274+1G>T on transcript NM_183050.4 (MANE Select); the canonical splice donor site of the intron after coding-DNA position 274, G replaced by T.
Molecular consequence: splice donor variant. On other transcripts: non-coding transcript variant (1).
Genome position (GRCh38, 1-based): chr6:80,127,625, G>T. VCF-style: chr6-80127625-G-T. GRCh37 (hg19) VCF-style: chr6-80837342-G-T.
Other names: c.64+1G>T (NM_001318975.1, NM_001424043.1); c.274+1G>T (NM_001424037.1, NM_001424036.1, NM_001424035.1 and 8 more transcripts).
Identifiers: ClinVar variation 2820952 (VCV002820952.4), dbSNP rs377722320, ClinGen allele CA3902555.
Genomic context (GRCh38, chr6:80,127,625, plus strand): 5'-ATCTTTTCCAGTCTGTAACAAGTGCCTTGGATAACTCATTGGCCAAAGATCCTACTGCAG[G>T]TAACCCTGATATGTGCCTGAATTGTGGTAGCTGTGTTAATTCCAGAATTGAAGATTTGCT-3'

ClinVar aggregate classification (germline): Pathogenic/Likely pathogenic. Review status: criteria provided, multiple submitters, no conflicts (2 of 4 stars). 2 submissions from 2 submitters: Pathogenic (1); Likely pathogenic (1). Last evaluated 2024-12-09.

Conditions:
Maple syrup urine disease type 1A (MSUD1A). Also called: MSUD type 1A. Identifiers: MedGen C1855369, MONDO:0023691, OMIM 248600.
Maple syrup urine disease (MSUD). Identifiers: Orphanet 511, MedGen C0024776, MeSH D008375, MONDO:0009563. Disease mechanism: loss of function.

Allele frequency attached by ClinVar (database versions not stated): ExAC 0.00001; gnomAD 0.00001; ESP Exome Variant Server 0.00008.
gnomAD v4.1: 2 of 1,610,702 alleles (0.00012%); highest among the groups gnomAD compares: African/African-American, 0.0027%; no homozygotes.

Submissions (2):

Labcorp Genetics (formerly Invitae), Labcorp
Classification: Pathogenic for Maple syrup urine disease. Last evaluated: 2024-12-09. Review status: criteria provided, single submitter. Criteria: Invitae Variant Classification Sherloc (09022015). Collection method: clinical testing. Allele origin: germline.
Comment: This sequence change affects a donor splice site in intron 2 of the BCKDHB gene. It is expected to disrupt RNA splicing. Variants that disrupt the donor or acceptor splice site typically lead to a loss of protein function (PMID: 16199547), and loss-of-function variants in BCKDHB are known to be pathogenic (PMID: 16786533, 22593002). This variant is present in population databases (rs377722320, gnomAD 0.007%). Disruption of this splice site has been observed in individual(s) with BCKDHB-related condition (internal data). In at least one individual the data is consistent with being in trans (on the opposite chromosome) from a pathogenic variant. ClinVar contains an entry for this variant (Variation ID: 2820952). Algorithms developed to predict the effect of sequence changes on RNA splicing suggest that this variant may disrupt the consensus splice site. For these reasons, this variant has been classified as Pathogenic.

Revvity Omics, Revvity
Classification: Likely pathogenic for Maple syrup urine disease type 1A. Last evaluated: 2024-08-02. Review status: criteria provided, single submitter. Criteria: ACMG Guidelines, 2015. Collection method: clinical testing. Allele origin: germline.

Literature cited by the submitters: PubMed 16199547 (cited by Labcorp Genetics (formerly Invitae), Labcorp); PubMed 16786533 (cited by Labcorp Genetics (formerly Invitae), Labcorp); PubMed 22593002 (cited by Labcorp Genetics (formerly Invitae), Labcorp).